The following is an entry in ClinVar:

ClinVar aggregate classification (germline): Uncertain significance. Review status: criteria provided, multiple submitters, no conflicts (2 of 4 stars). 2 submissions from 2 submitters: Uncertain significance (2). Last evaluated 2026-03-19.

gnomAD v4.1: 7 of 1,613,878 alleles (0.00043%); highest among the groups gnomAD compares: African/African-American, 0.0027%; no homozygotes.

Submissions (2):

Ambry Genetics
Classification: Uncertain significance. Last evaluated: 2026-03-19. Review status: criteria provided, single submitter. Criteria: Ambry Variant Classification Scheme 2023. Collection method: clinical testing. Allele origin: germline.
Comment: The c.98A>G (p.E33G) alteration is located in exon 1 (coding exon 1) of the MMP13 gene. This alteration results from a A to G substitution at nucleotide position 98, causing the glutamic acid (E) at amino acid position 33 to be replaced by a glycine (G). Based on data from gnomAD, the G allele has an overall frequency of <0.001% (1/251032) total alleles studied. The highest observed frequency was 0.006% (1/16250) of African alleles. Based on insufficient or conflicting evidence, the clinical significance of this alteration remains unclear.

Labcorp Genetics (formerly Invitae), Labcorp
Classification: Uncertain significance. Last evaluated: 2024-05-23. Review status: criteria provided, single submitter. Criteria: Invitae Variant Classification Sherloc (09022015). Collection method: clinical testing. Allele origin: germline.
Comment: This sequence change replaces glutamic acid, which is acidic and polar, with glycine, which is neutral and non-polar, at codon 33 of the MMP13 protein (p.Glu33Gly). This variant is present in population databases (no rsID available, gnomAD 0.007%). This variant has not been reported in the literature in individuals affected with MMP13-related conditions. An algorithm developed to predict the effect of missense changes on protein structure and function (PolyPhen-2) suggests that this variant is likely to be tolerated. In summary, the available evidence is currently insufficient to determine the role of this variant in disease. Therefore, it has been classified as a Variant of Uncertain Significance.

NM_002427.4(MMP13):c.98A>G (p.Glu33Gly)

Genes: MMP13 (matrix metallopeptidase 13; minus strand), LOC126861318 (BRD4-independent group 4 enhancer GRCh37_chr11:102825894-102827093; plus strand). Cytogenetic location: 11q22.2.
Variant type: single nucleotide variant.
Coding change: c.98A>G on transcript NM_002427.4 (MANE Select); coding-DNA position 98, A replaced by G.
Protein change: p.Glu33Gly; replaces glutamic acid 33 with glycine.
Molecular consequence: missense variant.
Genome position (GRCh38, 1-based): chr11:102,955,608, T>C on the plus strand (A>G on the coding strand, the complement: MMP13 is on the minus strand). VCF-style: chr11-102955608-T-C. GRCh37 (hg19) VCF-style: chr11-102826337-T-C.
Other names: c.98A>G (NM_002427.3); short protein forms E33G.
Identifiers: ClinVar variation 3699296 (VCV003699296.3).